The following is an entry in ClinVar:

NM_206933.4(USH2A):c.12295-2A>T

Gene: USH2A (usherin; minus strand). Cytogenetic location: 1q41.
Variant type: single nucleotide variant.
Coding change: c.12295-2A>T on transcript NM_206933.4 (MANE Select); the canonical splice acceptor site of the intron before coding-DNA position 12295, A replaced by T.
Molecular consequence: splice acceptor variant.
Genome position (GRCh38, 1-based): chr1:215,675,618, T>A on the plus strand (A>T on the coding strand, the complement: USH2A is on the minus strand). VCF-style: chr1-215675618-T-A. GRCh37 (hg19) VCF-style: chr1-215848960-T-A.
Identifiers: ClinVar variation 4817083 (VCV004817083.1).

ClinVar aggregate classification (germline): Pathogenic (1 of 4 stars; one submission).

Conditions:
Usher syndrome type 2A. Also called: RETINAL DISEASE IN USHER SYNDROME TYPE IIA, MODIFIER OF; USHER SYNDROME, TYPE IIA. Identifiers: Orphanet 231178, Orphanet 886, MedGen C1848634, MONDO:0010169, OMIM 276901.

Submission:

Natera, Inc.
Classification: Pathogenic for Usher syndrome type 2A. Last evaluated: 2024-04-24. Review status: criteria provided, single submitter. Criteria: Natera Variant Classification Schema (03/2026). Collection method: clinical testing. Allele origin: germline.
Comment: The c.12295-2A>T variant in USH2A is a canonical splice acceptor site variant predicted to affect pre-mRNA splicing, which may result in an abnormal transcript and altered protein product. This variant is expected to result in nonsense mediated decay, truncation, or a dysfunctional protein product. This variant is rare in the general population with a frequency below the threshold expected for the associated phenotype(s). Another variant at this same site results in an alteration predicted to cause a similar molecular effect has been observed in individual(s) with the associated phenotype. Given the available evidence, this variant is classified as Pathogenic.